The following is an entry in ClinVar:

NM_000059.4(BRCA2):c.2170A>T (p.Lys724Ter)

Gene: BRCA2 (BRCA2 DNA repair associated; plus strand). Cytogenetic location: 13q13.1.
Variant type: single nucleotide variant.
Coding change: c.2170A>T on transcript NM_000059.4 (MANE Select); coding-DNA position 2170, A replaced by T.
Protein change: p.Lys724Ter; replaces lysine 724 with a stop codon.
Molecular consequence: nonsense.
Genome position (GRCh38, 1-based): chr13:32,336,525, A>T. VCF-style: chr13-32336525-A-T. GRCh37 (hg19) VCF-style: chr13-32910662-A-T.
Other names: c.2170A>T, p.Lys724Ter (NM_001406719.1, NM_001406720.1); short protein forms K724*.
Identifiers: ClinVar variation 1787087 (VCV001787087.7), dbSNP rs2137483902, ClinGen allele CA387770288.

ClinVar aggregate classification (germline): Pathogenic. Review status: criteria provided, multiple submitters, no conflicts (2 of 4 stars). 2 submissions from 2 submitters: Pathogenic (2). Last evaluated 2024-07-24.

Conditions:
Hereditary cancer-predisposing syndrome. Also called: Neoplastic Syndromes, Hereditary; Tumor predisposition; Hereditary Cancer Syndrome; Hereditary neoplastic syndrome. Identifiers: Orphanet 140162, MedGen C0027672, MeSH D009386, MONDO:0015356.
Hereditary breast ovarian cancer syndrome. Also called: Hereditary breast and ovarian cancer; Hereditary breast and ovarian cancer syndrome (HBOC); Hereditary breast and ovarian cancer syndrome; Breast and ovarian cancer; Hereditary breast and/or ovarian cancer syndrome; BRCA1- and BRCA2-Associated Hereditary Breast and Ovarian Cancer. Identifiers: Orphanet 145, MedGen C0677776, MeSH D061325, MONDO:0003582. Disease mechanism: loss of function.

Submissions (2):

Labcorp Genetics (formerly Invitae), Labcorp
Classification: Pathogenic for Hereditary breast ovarian cancer syndrome. Last evaluated: 2024-07-24. Review status: criteria provided, single submitter. Criteria: Invitae Variant Classification Sherloc (09022015). Collection method: clinical testing. Allele origin: germline.
Comment: This sequence change creates a premature translational stop signal (p.Lys724*) in the BRCA2 gene. It is expected to result in an absent or disrupted protein product. Loss-of-function variants in BRCA2 are known to be pathogenic (PMID: 20104584). This variant is not present in population databases (gnomAD no frequency). This variant has not been reported in the literature in individuals affected with BRCA2-related conditions. ClinVar contains an entry for this variant (Variation ID: 1787087). For these reasons, this variant has been classified as Pathogenic.

Ambry Genetics
Classification: Pathogenic for Hereditary cancer-predisposing syndrome. Last evaluated: 2022-09-11. Review status: criteria provided, single submitter. Criteria: Ambry Variant Classification Scheme 2023. Collection method: clinical testing. Allele origin: germline.
Comment: The p.K724* pathogenic mutation (also known as c.2170A>T), located in coding exon 10 of the BRCA2 gene, results from an A to T substitution at nucleotide position 2170. This changes the amino acid from a lysine to a stop codon within coding exon 10. This variant is considered to be rare based on population cohorts in the Genome Aggregation Database (gnomAD). This alteration is expected to result in loss of function by premature protein truncation or nonsense-mediated mRNA decay. As such, this alteration is interpreted as a disease-causing mutation.

Literature cited by the submitters: PubMed 20104584 (cited by Labcorp Genetics (formerly Invitae), Labcorp).